The following is an entry in ClinVar:

ClinVar aggregate classification (germline): Uncertain significance (1 of 4 stars; one submission).

Conditions:
Inborn genetic diseases. Identifiers: MedGen C0950123, MeSH D030342.

Submission:

Ambry Genetics
Classification: Uncertain significance for Inborn genetic diseases. Last evaluated: 2026-02-23. Review status: criteria provided, single submitter. Criteria: Ambry Variant Classification Scheme 2023. Collection method: clinical testing. Allele origin: germline.
Comment: The c.681_692del12 variant (also known as p.P228_P231del) is located in coding exon 1 of the CEBPA gene. This variant results from an in-frame deletion of 12 nucleotides (GCCGCCCACGCC) at positions 681 to 692. This results in the in-frame deletion of 4 amino acids (PPTP) at codons 228 to 231. These amino acid positions are highly conserved in available vertebrate species. In addition, this variant is predicted to be deleterious by in silico analysis (Choi Y et al. PLoS ONE. 2012; 7(10):e46688). Based on the available evidence, the clinical significance of this variant remains unclear.

NM_004364.5(CEBPA):c.681_692del (p.Pro228_Pro231del)

Gene: CEBPA (CCAAT enhancer binding protein alpha; minus strand). Cytogenetic location: 19q13.11.
Variant type: Deletion.
Coding change: c.681_692del on transcript NM_004364.5 (MANE Select); coding-DNA positions 681 to 692, 12 bases deleted (GCCGCCCACGCC).
Protein change: p.Pro228_Pro231del.
Molecular consequence: inframe indel (on NM_004364.3).
Genome position (GRCh38, 1-based): chr19:33,301,723-33,301,734, GGCGTGGGCGGC deleted on the plus strand (GCCGCCCACGCC on the coding strand, the reverse complement: CEBPA is on the minus strand); deleting any 12 consecutive bases within chr19:33,301,723-33,301,742 gives the same sequence; the c. name uses the placement nearest the transcript's 3' end. VCF-style (leftmost placement, unchanged base first): chr19-33301722-GGGCGTGGGCGGC-G. GRCh37 (hg19) VCF-style: chr19-33792628-GGGCGTGGGCGGC-G.
Other names: c.324_335del, p.Pro109_Pro112del (NM_001285829.2); c.786_797del, p.Pro263_Pro266del (NM_001287424.2); c.639_650del, p.Pro214_Pro217del (NM_001287435.2); c.681_692del12 (NM_004364.3).
Identifiers: ClinVar variation 4824862 (VCV004824862.1).